The following is an entry in ClinVar:

ClinVar aggregate classification (germline): Uncertain significance (1 of 4 stars; one submission).

Submission:

CeGaT Center for Human Genetics Tuebingen
Classification: Uncertain significance. Last evaluated: 2022-12-01. Review status: criteria provided, single submitter. Criteria: CeGaT Center For Human Genetics Tuebingen Variant Classification Criteria Version 2. Collection method: clinical testing. Allele origin: germline. Affected: yes. Observed: 1 variant allele.
Comment: TTBK2: PM2

NM_173500.4(TTBK2):c.643A>G (p.Met215Val)

Gene: TTBK2 (tau tubulin kinase 2; minus strand). Cytogenetic location: 15q15.2.
Variant type: single nucleotide variant.
Coding change: c.643A>G on transcript NM_173500.4 (MANE Select); coding-DNA position 643, A replaced by G.
Protein change: p.Met215Val; replaces methionine 215 with valine.
Molecular consequence: missense variant.
Genome position (GRCh38, 1-based): chr15:42,811,741, T>C on the plus strand (A>G on the coding strand, the complement: TTBK2 is on the minus strand). VCF-style: chr15-42811741-T-C. GRCh37 (hg19) VCF-style: chr15-43103939-T-C.
Other names: short protein forms M215V.
Identifiers: ClinVar variation 2645261 (VCV002645261.24), dbSNP rs2506989770, ClinGen allele CA392045324.